The following is an entry in ClinVar:

NM_138773.4(SLC25A46):c.1237C>T (p.Leu413Phe)

Gene: SLC25A46 (solute carrier family 25 member 46; plus strand). Cytogenetic location: 5q22.1.
Variant type: single nucleotide variant.
Coding change: c.1237C>T on transcript NM_138773.4 (MANE Select); coding-DNA position 1237, C replaced by T.
Protein change: p.Leu413Phe; replaces leucine 413 with phenylalanine.
Molecular consequence: missense variant. On other transcripts: non-coding transcript variant (1).
Genome position (GRCh38, 1-based): chr5:110,761,762, C>T. VCF-style: chr5-110761762-C-T. GRCh37 (hg19) VCF-style: chr5-110097462-C-T.
Other names: c.994C>T, p.Leu332Phe (NM_001303249.3); c.964C>T, p.Leu322Phe (NM_001303250.3); short protein forms L322F, L332F, L413F.
Identifiers: ClinVar variation 3602418 (VCV003602418.1).

ClinVar aggregate classification (germline): Uncertain significance (1 of 4 stars; one submission).

Submission:

GeneDx
Classification: Uncertain significance. Last evaluated: 2024-07-31. Review status: criteria provided, single submitter. Criteria: GeneDx Variant Classification Process June 2021. Collection method: clinical testing. Allele origin: germline. Affected: yes.
Comment: Not observed at significant frequency in large population cohorts (gnomAD); In silico analysis indicates that this missense variant does not alter protein structure/function; Has not been previously published as pathogenic or benign to our knowledge